The following is an entry in ClinVar:

ClinVar aggregate classification (germline): Benign. Review status: criteria provided, multiple submitters, no conflicts (2 of 4 stars). 5 submissions from 5 submitters: Benign (5). Last evaluated 2026-02-02.

Conditions:
Autoimmune lymphoproliferative syndrome type 2A (ALPS2A). Also called: AUTOIMMUNE LYMPHOPROLIFERATIVE SYNDROME, TYPE IIA; CASP10-Related Autoimmune Lymphoproliferative Syndrome; Autoimmune lymphoproliferative syndrome type 2. Identifiers: Orphanet 3261, MedGen C1858968, MONDO:0011383, OMIM 603909.

Allele frequency attached by ClinVar (database versions not stated): gnomAD exomes 0.00614; gnomAD 0.06498 and 0.06908; TOPMed 0.06814; ESP Exome Variant Server 0.06960; 1000 Genomes Project 30x 0.07542.
gnomAD v4.1: 16,819 of 1,372,936 alleles (1.2%); highest among the groups gnomAD compares: African/African-American, 22%; 1,590 homozygotes.

Submissions (21):

Labcorp Genetics (formerly Invitae), Labcorp
Classification: Benign for Autoimmune lymphoproliferative syndrome type 2A. Last evaluated: 2026-02-02. Review status: criteria provided, single submitter. Criteria: Invitae Variant Classification Sherloc (09022015). Collection method: clinical testing. Allele origin: germline.

Mayo Clinic Laboratories, Mayo Clinic
Classification: Benign. Last evaluated: 2023-08-04. Review status: criteria provided, single submitter. Criteria: ACMG Guidelines, 2015. Collection method: clinical testing. Allele origin: germline. Observed: 29 variant alleles.

Illumina Laboratory Services, Illumina
Classification: Benign for Autoimmune lymphoproliferative syndrome type 2A. Last evaluated: 2018-01-12. Review status: criteria provided, single submitter. Criteria: ICSL Variant Classification Criteria 13 December 2019. Collection method: clinical testing. Allele origin: germline.
Comment: This variant was observed in the ICSL laboratory as part of a predisposition screen in an ostensibly healthy population. It had not been previously curated by ICSL or reported in the Human Gene Mutation Database (HGMD: prior to June 1st, 2018), and was therefore a candidate for classification through an automated scoring system. Utilizing variant allele frequency, disease prevalence and penetrance estimates, and inheritance mode, an automated score was calculated to assess if this variant is too frequent to cause the disease. Based on the score and internal cut-off values, a variant classified as benign is not then subjected to further curation. The score for this variant resulted in a classification of benign for this disease.

GeneDx
Classification: Benign. Last evaluated: 2015-03-03. Review status: criteria provided, single submitter. Criteria: GeneDx Variant Classification Process June 2021. Collection method: clinical testing. Allele origin: germline. Affected: yes.

Breakthrough Genomics
Classification: Benign. Review status: criteria provided, single submitter. Criteria: ACMG Guidelines, 2015. Collection method: not provided. Allele origin: germline. Inheritance: Autosomal dominant inheritance. Affected: yes.

Dr. Peter K. Rogan Lab, Western University
No classification provided (evidence only). Condition: Clear cell carcinoma of kidney. Review status: no classification provided. Collection method: in vitro. Allele origin: not applicable. Functional consequence: retained intron. Not counted in ClinVar's aggregate classification.

Dr. Peter K. Rogan Lab, Western University
No classification provided (evidence only). Condition: Lung cancer. Review status: no classification provided. Collection method: in vitro. Allele origin: not applicable. Functional consequence: retained intron. Not counted in ClinVar's aggregate classification.

Dr. Peter K. Rogan Lab, Western University
No classification provided (evidence only). Condition: Lung cancer. Review status: no classification provided. Collection method: in vitro. Allele origin: not applicable. Functional consequence: retained intron. Not counted in ClinVar's aggregate classification.

Dr. Peter K. Rogan Lab, Western University
No classification provided (evidence only). Condition: Lung cancer. Review status: no classification provided. Collection method: in vitro. Allele origin: not applicable. Functional consequence: retained intron. Not counted in ClinVar's aggregate classification.

Dr. Peter K. Rogan Lab, Western University
No classification provided (evidence only). Condition: Acute myeloid leukemia. Review status: no classification provided. Collection method: in vitro. Allele origin: not applicable. Functional consequence: retained intron. Not counted in ClinVar's aggregate classification.

Dr. Peter K. Rogan Lab, Western University
No classification provided (evidence only). Condition: Acute myeloid leukemia. Review status: no classification provided. Collection method: in vitro. Allele origin: not applicable. Functional consequence: retained intron. Not counted in ClinVar's aggregate classification.

Dr. Peter K. Rogan Lab, Western University
No classification provided (evidence only). Condition: Acute myeloid leukemia. Review status: no classification provided. Collection method: in vitro. Allele origin: not applicable. Functional consequence: retained intron. Not counted in ClinVar's aggregate classification.

Dr. Peter K. Rogan Lab, Western University
No classification provided (evidence only). Condition: Acute myeloid leukemia. Review status: no classification provided. Collection method: in vitro. Allele origin: not applicable. Functional consequence: retained intron. Not counted in ClinVar's aggregate classification.

Dr. Peter K. Rogan Lab, Western University
No classification provided (evidence only). Condition: Acute myeloid leukemia. Review status: no classification provided. Collection method: in vitro. Allele origin: not applicable. Functional consequence: retained intron. Not counted in ClinVar's aggregate classification.

Dr. Peter K. Rogan Lab, Western University
No classification provided (evidence only). Condition: Colon adenocarcinoma. Review status: no classification provided. Collection method: in vitro. Allele origin: not applicable. Functional consequence: retained intron. Not counted in ClinVar's aggregate classification.

Dr. Peter K. Rogan Lab, Western University
No classification provided (evidence only). Condition: Colon adenocarcinoma. Review status: no classification provided. Collection method: in vitro. Allele origin: not applicable. Functional consequence: retained intron. Not counted in ClinVar's aggregate classification.

Dr. Peter K. Rogan Lab, Western University
No classification provided (evidence only). Condition: Cervical cancer. Review status: no classification provided. Collection method: in vitro. Allele origin: not applicable. Functional consequence: retained intron. Not counted in ClinVar's aggregate classification.

Dr. Peter K. Rogan Lab, Western University
No classification provided (evidence only). Condition: Sarcoma. Review status: no classification provided. Collection method: in vitro. Allele origin: not applicable. Functional consequence: skipped exon. Not counted in ClinVar's aggregate classification.

Dr. Peter K. Rogan Lab, Western University
No classification provided (evidence only). Condition: Gastric cancer. Review status: no classification provided. Collection method: in vitro. Allele origin: not applicable. Functional consequence: retained intron. Not counted in ClinVar's aggregate classification.

Dr. Peter K. Rogan Lab, Western University
No classification provided (evidence only). Condition: Malignant tumor of esophagus. Review status: no classification provided. Collection method: in vitro. Allele origin: not applicable. Functional consequence: retained intron. Not counted in ClinVar's aggregate classification.

Dr. Peter K. Rogan Lab, Western University
No classification provided (evidence only). Condition: Malignant tumor of esophagus. Review status: no classification provided. Collection method: in vitro. Allele origin: not applicable. Functional consequence: retained intron. Not counted in ClinVar's aggregate classification.

NM_032977.4(CASP10):c.923-3C>T

Gene: CASP10 (caspase 10; plus strand). Cytogenetic location: 2q33.1.
Variant type: single nucleotide variant.
Coding change: c.923-3C>T on transcript NM_032977.4 (MANE Select); 3 bases into the intron before coding-DNA position 923, C replaced by T.
Molecular consequence: intron variant.
Genome position (GRCh38, 1-based): chr2:201,209,067, C>T. VCF-style: chr2-201209067-C-T. GRCh37 (hg19) VCF-style: chr2-202073790-C-T.
Other names: p.?; c.923-3C>T (NM_032974.5); c.794-3C>T (NM_001206542.2, NM_001230.5); c.*9-3C>T (NM_032976.4); c.722-3C>T (NM_001206524.2).
Identifiers: ClinVar variation 333434 (VCV000333434.22), dbSNP rs6753900, ClinGen allele CA2053140.
Genomic context (GRCh38, chr2:201,209,067, plus strand): 5'-CATTTTATTATTTCCCCTTTCTCTCTCTCTCTCTCTTTTTTTTTTTTTTTTGTTTTTAAA[C>T]AGAGATCCTGAGTCATGTGTTCCAGTGGCTTGGGTTCACAGTGCATATACACAATAATGT-3'